The following is an entry in ClinVar:

ClinVar aggregate classification (germline): Uncertain significance. Review status: criteria provided, single submitter (1 of 4 stars). 4 submissions from 4 submitters: Uncertain significance (1). 3 of the submissions do not count toward it. Last evaluated 2025-01-28.

Conditions:
IHH-related disorder. Also called: IHH-related condition.

Allele frequency attached by ClinVar (database versions not stated): gnomAD 0.00006; gnomAD exomes 0.00006 and 0.00010; ExAC 0.00007; TOPMed 0.00007.
gnomAD v4.1: 156 of 1,613,828 alleles (0.0097%); highest among the groups gnomAD compares: Non-Finnish European, 0.013%; no homozygotes.

Submissions (4):

Labcorp Genetics (formerly Invitae), Labcorp
Classification: Uncertain significance. Last evaluated: 2025-01-28. Review status: criteria provided, single submitter. Criteria: Invitae Variant Classification Sherloc (09022015). Collection method: clinical testing. Allele origin: germline.
Comment: This sequence change replaces threonine, which is neutral and polar, with methionine, which is neutral and non-polar, at codon 279 of the IHH protein (p.Thr279Met). This variant is present in population databases (rs776499803, gnomAD 0.01%). This variant has not been reported in the literature in individuals affected with IHH-related conditions. ClinVar contains an entry for this variant (Variation ID: 1206307). Invitae Evidence Modeling of protein sequence and biophysical properties (such as structural, functional, and spatial information, amino acid conservation, physicochemical variation, residue mobility, and thermodynamic stability) indicates that this missense variant is not expected to disrupt IHH protein function with a negative predictive value of 80%. In summary, the available evidence is currently insufficient to determine the role of this variant in disease. Therefore, it has been classified as a Variant of Uncertain Significance.

PreventionGenetics, part of Exact Sciences
Classification: Uncertain significance for IHH-related condition. Last evaluated: 2024-03-13. Review status: no assertion criteria provided. Collection method: clinical testing. Allele origin: germline. Not counted in ClinVar's aggregate classification.
Comment: The IHH c.836C>T variant is predicted to result in the amino acid substitution p.Thr279Met. To our knowledge, this variant has not been reported in the literature. This variant is reported in 0.015% of alleles in individuals of European (Non-Finnish) descent in gnomAD. Although we suspect that this variant may be benign, at this time, the clinical significance of this variant is uncertain due to the absence of conclusive functional and genetic evidence.

Clinical Genetics DNA and cytogenetics Diagnostics Lab, Erasmus MC, Erasmus Medical Center
Classification: Likely benign. Review status: no assertion criteria provided. Collection method: clinical testing. Allele origin: germline. Affected: yes. Study: VKGL Data-share Consensus. Not counted in ClinVar's aggregate classification.

Laboratory of Diagnostic Genome Analysis, Leiden University Medical Center (LUMC)
Classification: Likely benign. Review status: no assertion criteria provided. Collection method: clinical testing. Allele origin: germline. Affected: yes. Study: VKGL Data-share Consensus. Not counted in ClinVar's aggregate classification.

NM_002181.4(IHH):c.836C>T (p.Thr279Met)

Gene: IHH (Indian hedgehog signaling molecule; minus strand). Cytogenetic location: 2q35.
Variant type: single nucleotide variant.
Coding change: c.836C>T on transcript NM_002181.4 (MANE Select); coding-DNA position 836, C replaced by T.
Protein change: p.Thr279Met; replaces threonine 279 with methionine.
Molecular consequence: missense variant.
Genome position (GRCh38, 1-based): chr2:219,055,607, G>A on the plus strand (C>T on the coding strand, the complement: IHH is on the minus strand). VCF-style: chr2-219055607-G-A. GRCh37 (hg19) VCF-style: chr2-219920329-G-A.
Other names: c.836C>T (NM_002181.3); short protein forms T279M.
Identifiers: ClinVar variation 1206307 (VCV001206307.5), dbSNP rs776499803, ClinGen allele CA2116593.